The following is an entry in ClinVar:

ClinVar aggregate classification (germline): Benign/Likely benign. Review status: criteria provided, multiple submitters, no conflicts (2 of 4 stars). 8 submissions from 8 submitters: Benign (3); Likely benign (3). 2 of the submissions do not count toward it. Last evaluated 2026-02-03.

Conditions:
Inborn genetic diseases. Identifiers: MedGen C0950123, MeSH D030342.
Schuurs-Hoeijmakers syndrome. Also called: PACS1-Related Neurodevelopmental Disorder. Identifiers: Orphanet 329224, MedGen C3554343, MONDO:0014006, OMIM 615009.

Allele frequency attached by ClinVar (database versions not stated): 1000 Genomes Project 30x 0.00094; 1000 Genomes Project 0.00100; ExAC 0.00119; gnomAD exomes 0.00128 and 0.00162; gnomAD 0.00139 and 0.00140; TOPMed 0.00139; ESP Exome Variant Server 0.00192.
gnomAD v4.1: 2,570 of 1,613,336 alleles (0.16%); highest among the groups gnomAD compares: Admixed American, 0.25%; 3 homozygotes.

Submissions (8):

Labcorp Genetics (formerly Invitae), Labcorp
Classification: Benign for Schuurs-Hoeijmakers syndrome. Last evaluated: 2026-02-03. Review status: criteria provided, single submitter. Criteria: Invitae Variant Classification Sherloc (09022015). Collection method: clinical testing. Allele origin: germline.

CeGaT Center for Human Genetics Tuebingen
Classification: Likely benign. Last evaluated: 2025-12-01. Review status: criteria provided, single submitter. Criteria: CeGaT Center For Human Genetics Tuebingen Variant Classification Criteria Version 2. Collection method: clinical testing. Allele origin: germline. Affected: yes. Observed: 5 variant alleles.
Comment: PACS1: BP4, BS1

Blueprint Genetics
Classification: Likely benign. Last evaluated: 2024-11-20. Review status: criteria provided, single submitter. Criteria: ACMG Guidelines, 2015. Collection method: clinical testing. Allele origin: germline.

Mayo Clinic Laboratories, Mayo Clinic
Classification: Benign. Last evaluated: 2024-11-01. Review status: criteria provided, single submitter. Criteria: ACMG Guidelines, 2015. Collection method: clinical testing. Allele origin: germline. Observed: 2 variant alleles.
Comment: BS1, BS2, BP4, BP7

GeneDx
Classification: Benign. Last evaluated: 2021-09-01. Review status: criteria provided, single submitter. Criteria: GeneDx Variant Classification Process June 2021. Collection method: clinical testing. Allele origin: germline. Affected: yes.

Ambry Genetics
Classification: Likely benign for Inborn genetic diseases. Last evaluated: 2018-02-09. Review status: criteria provided, single submitter. Criteria: Ambry Variant Classification Scheme 2023. Collection method: clinical testing. Allele origin: germline.

Clinical Genetics DNA and cytogenetics Diagnostics Lab, Erasmus MC, Erasmus Medical Center
Classification: Likely benign. Review status: no assertion criteria provided. Collection method: clinical testing. Allele origin: germline. Affected: yes. Study: VKGL Data-share Consensus. Not counted in ClinVar's aggregate classification.

Laboratory of Diagnostic Genome Analysis, Leiden University Medical Center (LUMC)
Classification: Likely benign. Review status: no assertion criteria provided. Collection method: clinical testing. Allele origin: germline. Affected: yes. Study: VKGL Data-share Consensus. Not counted in ClinVar's aggregate classification.

NM_018026.4(PACS1):c.535-4G>A

Gene: PACS1 (phosphofurin acidic cluster sorting protein 1; plus strand). Cytogenetic location: 11q13.2.
Variant type: single nucleotide variant.
Coding change: c.535-4G>A on transcript NM_018026.4 (MANE Select); 4 bases into the intron before coding-DNA position 535, G replaced by A.
Molecular consequence: intron variant.
Genome position (GRCh38, 1-based): chr11:66,211,130, G>A. VCF-style: chr11-66211130-G-A. GRCh37 (hg19) VCF-style: chr11-65978601-G-A.
Other names: p.?.
Identifiers: ClinVar variation 588870 (VCV000588870.46), dbSNP rs112192900, ClinGen allele CA6116287.